The following is an entry in ClinVar:

ClinVar aggregate classification (germline): Pathogenic/Likely pathogenic. Review status: criteria provided, multiple submitters, no conflicts (2 of 4 stars). 3 submissions from 3 submitters: Pathogenic (1); Likely pathogenic (1). 1 of the submissions does not count toward it. Last evaluated 2024-01-08.

Conditions:
Spastic paraplegia. Identifiers: MedGen C0037772, HP:0001258.
Charlevoix-Saguenay spastic ataxia (SACS). Also called: AUTOSOMAL RECESSIVE SPASTIC ATAXIA OF CHARLEVOIX-SAGUENAY; SPASTIC ATAXIA 6, AUTOSOMAL RECESSIVE; Spastic ataxia of Charlevoix-Saguenay. Identifiers: Orphanet 98, MedGen C1849140, MONDO:0010041, OMIM 270550.

Submissions (3):

Baylor Genetics
Classification: Likely pathogenic for Charlevoix-Saguenay spastic ataxia. Last evaluated: 2024-01-08. Review status: criteria provided, single submitter. Criteria: ACMG Guidelines, 2015. Collection method: clinical testing. Allele origin: unknown.

Labcorp Genetics (formerly Invitae), Labcorp
Classification: Pathogenic for Spastic paraplegia. Last evaluated: 2023-10-08. Review status: criteria provided, single submitter. Criteria: Invitae Variant Classification Sherloc (09022015). Collection method: clinical testing. Allele origin: germline.
Comment: This sequence change creates a premature translational stop signal (p.Pro10Argfs*2) in the SACS gene. It is expected to result in an absent or disrupted protein product. Loss-of-function variants in SACS are known to be pathogenic (PMID: 18465152, 20876471). This variant is not present in population databases (gnomAD no frequency). This variant has not been reported in the literature in individuals affected with SACS-related conditions. ClinVar contains an entry for this variant (Variation ID: 370878). For these reasons, this variant has been classified as Pathogenic.

Counsyl
Classification: Likely pathogenic for Charlevoix-Saguenay spastic ataxia. Last evaluated: 2016-05-06. Review status: no assertion criteria provided. Collection method: clinical testing. Allele origin: unknown. Not counted in ClinVar's aggregate classification.

Literature cited by the submitters: PubMed 18465152 (cited by Labcorp Genetics (formerly Invitae), Labcorp); PubMed 20876471 (cited by Labcorp Genetics (formerly Invitae), Labcorp).

NM_014363.6(SACS):c.29del (p.Pro10fs)

Genes: SACS (sacsin molecular chaperone; minus strand), LOC130009366 (ATAC-STARR-seq lymphoblastoid silent region 5172; plus strand). Cytogenetic location: 13q12.12.
Variant type: Deletion.
Coding change: c.29del on transcript NM_014363.6 (MANE Select); coding-DNA position 29, one base deleted (C; older notation c.29delC).
Protein change: p.Pro10fs; shifts the reading frame from proline 10.
Molecular consequence: frameshift variant. On other transcripts: 5 prime UTR variant (1).
Genome position (GRCh38, 1-based): chr13:23,375,261, G deleted on the plus strand (C on the coding strand, the reverse complement: SACS is on the minus strand); the first of 3 consecutive G bases (chr13:23,375,261-23,375,263); deleting any one gives the same sequence. VCF-style (leftmost placement, unchanged base first): chr13-23375260-CG-C. GRCh37 (hg19) VCF-style: chr13-23949399-CG-C.
Other names: c.-325del (NM_001278055.2); short protein forms P10fs.
Identifiers: ClinVar variation 370878 (VCV000370878.7), dbSNP rs1057516837, ClinGen allele CA16041658.